The following is an entry in ClinVar:

ClinVar aggregate classification (germline): Pathogenic/Likely pathogenic. Review status: criteria provided, multiple submitters, no conflicts (2 of 4 stars). 2 submissions from 2 submitters: Pathogenic (1); Likely pathogenic (1). Last evaluated 2024-04-03.

Conditions:
Clark-Baraitser syndrome. Also called: Intellectual disability, autosomal dominant 49; MENTAL RETARDATION, AUTOSOMAL DOMINANT 49; BARAITSER SYNDROME; Mental retardation, tall stature, obesity, macrocephaly and typical facial features. Identifiers: Orphanet 600731, MedGen C2931130, MONDO:0030914, OMIM 617752.

Submissions (2):

GeneDx
Classification: Pathogenic. Last evaluated: 2024-04-03. Review status: criteria provided, single submitter. Criteria: GeneDx Variant Classification Process June 2021. Collection method: clinical testing. Allele origin: germline. Affected: yes.
Comment: Frameshift variant predicted to result in protein truncation or nonsense mediated decay in a gene for which loss of function is a known mechanism of disease; Not observed at significant frequency in large population cohorts (gnomAD); This variant is associated with the following publications: (PMID: 33057194, 35982159, 31785789, 36747006, 36430143)

Institute of Human Genetics, University of Leipzig Medical Center
Classification: Likely pathogenic for Clark-Baraitser syndrome. Last evaluated: 2019-10-23. Review status: criteria provided, single submitter. Criteria: ACMG Guidelines, 2015. Collection method: clinical testing. Allele origin: germline. Affected: yes.

NM_001348323.3(TRIP12):c.3808del (p.Ser1270fs)

Gene: TRIP12 (thyroid hormone receptor interactor 12; minus strand). Cytogenetic location: 2q36.3.
Variant type: Deletion.
Coding change: c.3808del on transcript NM_001348323.3 (MANE Select); coding-DNA position 3808, one base deleted (T; older notation c.3808delT).
Protein change: p.Ser1270fs; shifts the reading frame from serine 1270.
Molecular consequence: frameshift variant.
Genome position (GRCh38, 1-based): chr2:229,796,599, A deleted on the plus strand (T on the coding strand, the reverse complement: TRIP12 is on the minus strand); the first of 7 consecutive A bases (chr2:229,796,599-229,796,605); deleting any one gives the same sequence. VCF-style (leftmost placement, unchanged base first): chr2-229796598-GA-G. GRCh37 (hg19) VCF-style: chr2-230661314-GA-G.
Other names: c.3727del, p.Ser1243fs (NM_001284214.2, NM_001348315.2); c.3682del, p.Ser1228fs (NM_001284215.2, NM_001348316.2, NM_001348317.1 and 1 more transcripts); c.2773del, p.Ser925fs (NM_001284216.2); c.3808del, p.Ser1270fs (NM_001348319.1, NM_001348320.2, NM_001348322.1 and 4 more transcripts); c.3811del, p.Ser1271fs (NM_001348321.1, NM_001348328.1, NM_001348329.2 and 1 more transcripts); c.3601del, p.Ser1201fs (NM_001348331.1); c.3721del, p.Ser1241fs (NM_001348332.1); c.3730del, p.Ser1244fs (NM_001348333.1); and 2 more; short protein forms S1195fs, S1201fs, S1244fs, S1271fs, S1241fs, S1243fs, S1270fs, S1228fs.
Identifiers: ClinVar variation 873430 (VCV000873430.2), dbSNP rs2042881907, ClinGen allele CA431537492.
Genomic context (GRCh38, chr2:229,796,598, plus strand): 5'-CATTAGTGAGCACTGATTCTTAAAAGATACACAGGCATTATTAGATAACTTACTGGAGAA[GA>G]AAAAAATACATGAAGAAATCGCTTTAATCTGATCTCTCTGCTCACAGCATCCTTTTCACT-3'